The following is an entry in ClinVar:

NM_001034853.2(RPGR):c.247+1G>A

Gene: RPGR (retinitis pigmentosa GTPase regulator; minus strand). Cytogenetic location: Xp11.4.
Variant type: single nucleotide variant.
Coding change: c.247+1G>A on transcript NM_001034853.2 (MANE Select); the canonical splice donor site of the intron after coding-DNA position 247, G replaced by A.
Molecular consequence: splice donor variant.
Genome position (GRCh38, 1-based): chrX:38,322,852, C>T on the plus strand (G>A on the coding strand, the complement: RPGR is on the minus strand). VCF-style: chrX-38322852-C-T. GRCh37 (hg19) VCF-style: chrX-38182105-C-T.
Other names: c.247+1G>A (NM_001367249.1, NM_001367250.1, NM_001367245.1 and 4 more transcripts); c.277+1G>A (NM_001367248.1).
Identifiers: ClinVar variation 2767829 (VCV002767829.5), dbSNP rs2519909173, ClinGen allele CA412745493.

ClinVar aggregate classification (germline): Pathogenic. Review status: reviewed by expert panel (3 of 4 stars). 3 submissions from 3 submitters: Pathogenic (1). 2 of the submissions do not count toward it. Last evaluated 2026-09-26.

Conditions:
RPGR-related retinopathy. Also called: RPGR retinopathy. Identifiers: MedGen CN305589, MONDO:0100437.
Primary ciliary dyskinesia. Also called: Ciliary dyskinesia. Identifiers: Orphanet 244, MedGen C0008780, MONDO:0016575, HP:0012265.
RPGR-related disorder. Also called: RPGR-related condition.

Submissions (3):

ClinGen X-linked Inherited Retinal Disease Variant Curation Expert Panel, ClinGen
Classification: Pathogenic for RPGR-related retinopathy. Last evaluated: 2026-09-26. Review status: reviewed by expert panel. Criteria: ClinGen X LinkedIRD ACMG Specifications RPGR V1.0.0. Collection method: curation. Allele origin: germline. Inheritance: X-linked inheritance.
Comment: NM_001034853.2(RPGR):c.247+1G>A is a canonical splice site variant in intron 3 and is predicted to disrupt splicing and induce skipping of exon 3, which is expected to disrupt a critical functional domain in RPGR (PVS1). Another variant in the same donor/acceptor motif outside of the +/-1,2 dinucleotide, c.247+5G>A, was previously classified as pathogenic for the RPGR-related X-linked IRD VCEP (PS1_supporting). This variant is absent from hemizygous individuals in gnomAD v4.1.0 (PM2_Supporting). At least one proband harboring this variant exhibits a phenotype including X-linked inheritance (2 pts), onset under age 30 (0 pt), and decreased ERG responses (0 pts), which together are not sufficiently specific for RPGR-related retinopathy (2 points, PMID: 33372982). The PP4 code was not met as the total points reached was below the required 4 points. PMID 33372982 lists additional traits specific to RP that did not apply to all patients in the study cohort, but did not detail them on individual level. This variant has been reported in at least 2 apparently unrelated probands meeting one of the PS4 requirements of a male with some functional vision impairment by age 30 and/or decreased or absent ERG responses, or a female with functional visual abnormality and documentation of a male relative affected with retinitis pigmentosa (PMIDs: 33372982, 32702353; PS4_Supporting). In summary, this variant is classified as pathogenic for RPGR-related retinopathy based on the ClinGen X-linked Inherited Retinal Disease Expert Panel Specifications to the ACMG/AMP Variant Interpretation Guidelines for RPGR Version 1.0.0: PVS1, PM2_supporting, PS4_Supporting, and PS1_supporting.

Labcorp Genetics (formerly Invitae), Labcorp
Classification: Pathogenic for Primary ciliary dyskinesia. Last evaluated: 2025-01-15. Review status: criteria provided, single submitter. Criteria: Invitae Variant Classification Sherloc (09022015). Collection method: clinical testing. Allele origin: germline. Not counted in ClinVar's aggregate classification.
Comment: This sequence change affects a donor splice site in intron 3 of the RPGR gene. It is expected to disrupt RNA splicing. Variants that disrupt the donor or acceptor splice site typically lead to a loss of protein function (PMID: 16199547), and loss-of-function variants in RPGR are known to be pathogenic (PMID: 16055928, 16969763). This variant is not present in population databases (gnomAD no frequency). Disruption of this splice site has been observed in individuals with RPGR-related conditions (PMID: 29641573, 36460718; internal data). ClinVar contains an entry for this variant (Variation ID: 2767829). Algorithms developed to predict the effect of sequence changes on RNA splicing suggest that this variant may disrupt the consensus splice site. For these reasons, this variant has been classified as Pathogenic.

Blueprint Genetics
Classification: Likely pathogenic for RPGR-related disorders. Last evaluated: 2022-07-20. Review status: criteria provided, single submitter. Criteria: ACMG Guidelines, 2015. Collection method: clinical testing. Allele origin: germline. Affected: yes. Observed: 1 variant allele. Not counted in ClinVar's aggregate classification.

Literature cited by the submitters: PubMed 16199547 (cited by Labcorp Genetics (formerly Invitae), Labcorp); PubMed 16055928 (cited by Labcorp Genetics (formerly Invitae), Labcorp); PubMed 16969763 (cited by Labcorp Genetics (formerly Invitae), Labcorp); PubMed 29641573 (cited by Labcorp Genetics (formerly Invitae), Labcorp); PubMed 36460718 (cited by Labcorp Genetics (formerly Invitae), Labcorp).